The following is an entry in ClinVar:

NM_033109.5(PNPT1):c.2070-16A>C

Gene: PNPT1 (polyribonucleotide nucleotidyltransferase 1; minus strand). Cytogenetic location: 2p16.1.
Variant type: single nucleotide variant.
Coding change: c.2070-16A>C on transcript NM_033109.5 (MANE Select); 16 bases into the intron before coding-DNA position 2070, A replaced by C.
Molecular consequence: intron variant.
Genome position (GRCh38, 1-based): chr2:55,640,721, T>G on the plus strand (A>C on the coding strand, the complement: PNPT1 is on the minus strand). VCF-style: chr2-55640721-T-G. GRCh37 (hg19) VCF-style: chr2-55867856-T-G.
Identifiers: ClinVar variation 381282 (VCV000381282.5), dbSNP rs768971285, ClinGen allele CA16604646.

ClinVar aggregate classification (germline): Likely benign. Review status: criteria provided, multiple submitters, no conflicts (2 of 4 stars). 2 submissions from 2 submitters: Likely benign (2). Last evaluated 2023-08-17.

Allele frequency attached by ClinVar (database versions not stated): TOPMed below 0.00001.

Submissions (2):

Labcorp Genetics (formerly Invitae), Labcorp
Classification: Likely benign. Last evaluated: 2023-08-17. Review status: criteria provided, single submitter. Criteria: Invitae Variant Classification Sherloc (09022015). Collection method: clinical testing. Allele origin: germline.

GeneDx
Classification: Likely benign. Last evaluated: 2015-11-03. Review status: criteria provided, single submitter. Criteria: GeneDx Variant Classification (06012015). Collection method: clinical testing. Allele origin: germline. Affected: yes.
Comment: This variant is considered likely benign or benign based on one or more of the following criteria: it is a conservative change, it occurs at a poorly conserved position in the protein, it is predicted to be benign by multiple in silico algorithms, and/or has population frequency not consistent with disease.